The following is an entry in ClinVar:

ClinVar aggregate classification (germline): Benign/Likely benign. Review status: criteria provided, multiple submitters, no conflicts (2 of 4 stars). 4 submissions from 4 submitters: Benign (1); Likely benign (2). 1 of the submissions does not count toward it. Last evaluated 2025-09-08.

Conditions:
PDGFRB-related disorder. Also called: PDGFRB-related condition.
Skeletal overgrowth-craniofacial dysmorphism-hyperelastic skin-white matter lesions syndrome. Also called: SKELETAL OVERGROWTH WITH FACIAL DYSMORPHISM, HYPERELASTIC SKIN, WHITE MATTER LESIONS, AND NEUROLOGIC DETERIORATION; Kosaki overgrowth syndrome. Identifiers: Orphanet 477831, MedGen C4225270, MONDO:0014704, OMIM 616592.
Acroosteolysis-keloid-like lesions-premature aging syndrome. Also called: Premature aging syndrome, Penttinen type; Prematurely aged appearance, delayed bone maturation, acro-osteolysis, and brachydactyly; Progeroid syndrome, Penttinen type. Identifiers: Orphanet 363665, MedGen C1866182, MONDO:0011150, OMIM 601812.
Infantile myofibromatosis (IMF). Also called: Congenital generalized fibromatosis. Identifiers: Orphanet 2591, MedGen C0432284, MONDO:0016824.
Basal ganglia calcification, idiopathic, 4 (PFBC4). Also called: PRIMARY FAMILIAL BRAIN CALCIFICATION 4, AUTOSOMAL DOMINANT; Familial Idiopathic Basal Ganglia Calcification 4. Identifiers: Orphanet 1980, MedGen C3554321, MONDO:0014004, OMIM 615007.
Inborn genetic diseases. Identifiers: MedGen C0950123, MeSH D030342.

Allele frequency attached by ClinVar (database versions not stated): gnomAD 0.00030 and 0.00031; TOPMed 0.00049; ExAC 0.00017; 1000 Genomes Project 30x 0.00047; gnomAD exomes 0.00024; ESP Exome Variant Server 0.00008; 1000 Genomes Project 0.00060.
gnomAD v4.1: 154 of 1,612,744 alleles (0.0095%); highest among the groups gnomAD compares: Admixed American, 0.14%; 1 homozygote.

Submissions (4):

Labcorp Genetics (formerly Invitae), Labcorp
Classification: Likely benign for Basal ganglia calcification, idiopathic, 4; Skeletal overgrowth-craniofacial dysmorphism-hyperelastic skin-white matter lesions syndrome; Infantile myofibromatosis; Acroosteolysis-keloid-like lesions-premature aging syndrome. Last evaluated: 2025-09-08. Review status: criteria provided, single submitter. Criteria: Invitae Variant Classification Sherloc (09022015). Collection method: clinical testing. Allele origin: germline.

Ambry Genetics
Classification: Likely benign for Inborn genetic diseases. Last evaluated: 2021-12-14. Review status: criteria provided, single submitter. Criteria: Ambry Variant Classification Scheme 2023. Collection method: clinical testing. Allele origin: germline.

GeneDx
Classification: Benign. Last evaluated: 2021-05-17. Review status: criteria provided, single submitter. Criteria: GeneDx Variant Classification Process June 2021. Collection method: clinical testing. Allele origin: germline. Affected: yes.

PreventionGenetics, part of Exact Sciences
Classification: Likely benign for PDGFRB-related condition. Last evaluated: 2021-12-29. Review status: no assertion criteria provided. Collection method: clinical testing. Allele origin: germline. Not counted in ClinVar's aggregate classification.
Comment: This variant is classified as likely benign based on ACMG/AMP sequence variant interpretation guidelines (Richards et al. 2015 PMID: 25741868, with internal and published modifications).

NM_002609.4(PDGFRB):c.1279C>T (p.Pro427Ser)

Gene: PDGFRB (platelet derived growth factor receptor beta; minus strand). Cytogenetic location: 5q32.
Variant type: single nucleotide variant.
Coding change: c.1279C>T on transcript NM_002609.4 (MANE Select); coding-DNA position 1279, C replaced by T.
Protein change: p.Pro427Ser; replaces proline 427 with serine.
Molecular consequence: missense variant.
Genome position (GRCh38, 1-based): chr5:150,130,627, G>A on the plus strand (C>T on the coding strand, the complement: PDGFRB is on the minus strand). VCF-style: chr5-150130627-G-A. GRCh37 (hg19) VCF-style: chr5-149510190-G-A.
Other names: c.1087C>T, p.Pro363Ser (NM_001355016.2); c.796C>T, p.Pro266Ser (NM_001355017.2); short protein forms P427S, P363S, P266S.
Identifiers: ClinVar variation 766771 (VCV000766771.13), dbSNP rs199873101, ClinGen allele CA3508030.